The following is an entry in ClinVar:

ClinVar aggregate classification (germline): Uncertain significance (1 of 4 stars; one submission).

Allele frequency attached by ClinVar (database versions not stated): gnomAD exomes below 0.00001.
gnomAD v4.1: 2 of 1,612,562 alleles (0.00012%); highest among the groups gnomAD compares: Non-Finnish European, 0.00017%; no homozygotes.

Submission:

Labcorp Genetics (formerly Invitae), Labcorp
Classification: Uncertain significance. Last evaluated: 2022-12-15. Review status: criteria provided, single submitter. Criteria: Invitae Variant Classification Sherloc (09022015). Collection method: clinical testing. Allele origin: germline.
Comment: In summary, the available evidence is currently insufficient to determine the role of this variant in disease. Therefore, it has been classified as a Variant of Uncertain Significance. Algorithms developed to predict the effect of sequence changes on RNA splicing suggest that this variant may create or strengthen a splice site. Algorithms developed to predict the effect of missense changes on protein structure and function (SIFT, PolyPhen-2, Align-GVGD) all suggest that this variant is likely to be tolerated. This variant has not been reported in the literature in individuals affected with HMCN1-related conditions. This variant is not present in population databases (gnomAD no frequency). This sequence change replaces asparagine, which is neutral and polar, with aspartic acid, which is acidic and polar, at codon 3427 of the HMCN1 protein (p.Asn3427Asp).

NM_031935.3(HMCN1):c.10279A>G (p.Asn3427Asp)

Gene: HMCN1 (hemicentin 1; plus strand). Cytogenetic location: 1q31.1.
Variant type: single nucleotide variant.
Coding change: c.10279A>G on transcript NM_031935.3 (MANE Select); coding-DNA position 10279, A replaced by G.
Protein change: p.Asn3427Asp; replaces asparagine 3427 with aspartic acid.
Molecular consequence: missense variant.
Genome position (GRCh38, 1-based): chr1:186,094,358, A>G. VCF-style: chr1-186094358-A-G. GRCh37 (hg19) VCF-style: chr1-186063490-A-G.
Other names: short protein forms N3427D.
Identifiers: ClinVar variation 2821033 (VCV002821033.3), dbSNP rs1660014667, ClinGen allele CA343929005.